The following is an entry in ClinVar:

ClinVar aggregate classification (germline): Uncertain significance. Review status: criteria provided, multiple submitters, no conflicts (2 of 4 stars). 2 submissions from 2 submitters: Uncertain significance (2). Last evaluated 2025-11-06.

Conditions:
Inborn genetic diseases. Identifiers: MedGen C0950123, MeSH D030342.
Osteogenesis imperfecta type 7 (OI7). Also called: OSTEOGENESIS IMPERFECTA, TYPE IIB; Osteogenesis imperfecta type 2B; OI type 2B; Osteogenesis imperfecta, perinatal lethal autosomal recessive; OI type IIB; OI type 7. Identifiers: MedGen C1853162, MONDO:0012536, OMIM 610682.

Allele frequency attached by ClinVar (database versions not stated): 1000 Genomes Project 0.00040; 1000 Genomes Project 30x 0.00047.
gnomAD v4.1: 38 of 1,614,194 alleles (0.0024%); highest among the groups gnomAD compares: African/African-American, 0.004%; no homozygotes.

Submissions (2):

Ambry Genetics
Classification: Uncertain significance for Inborn genetic diseases. Last evaluated: 2025-11-06. Review status: criteria provided, single submitter. Criteria: Ambry Variant Classification Scheme 2023. Collection method: clinical testing. Allele origin: germline.

Labcorp Genetics (formerly Invitae), Labcorp
Classification: Uncertain significance for Osteogenesis imperfecta type 7. Last evaluated: 2025-03-16. Review status: criteria provided, single submitter. Criteria: Invitae Variant Classification Sherloc (09022015). Collection method: clinical testing. Allele origin: germline.
Comment: This sequence change replaces tyrosine, which is neutral and polar, with cysteine, which is neutral and slightly polar, at codon 321 of the CRTAP protein (p.Tyr321Cys). This variant is present in population databases (rs573914818, gnomAD 0.008%). This variant has not been reported in the literature in individuals affected with CRTAP-related conditions. ClinVar contains an entry for this variant (Variation ID: 2066567). Invitae Evidence Modeling of protein sequence and biophysical properties (such as structural, functional, and spatial information, amino acid conservation, physicochemical variation, residue mobility, and thermodynamic stability) indicates that this missense variant is expected to disrupt CRTAP protein function with a positive predictive value of 80%. In summary, the available evidence is currently insufficient to determine the role of this variant in disease. Therefore, it has been classified as a Variant of Uncertain Significance.

NM_006371.5(CRTAP):c.962A>G (p.Tyr321Cys)

Gene: CRTAP (cartilage associated protein; plus strand). Cytogenetic location: 3p22.3.
Variant type: single nucleotide variant.
Coding change: c.962A>G on transcript NM_006371.5 (MANE Select); coding-DNA position 962, A replaced by G.
Protein change: p.Tyr321Cys; replaces tyrosine 321 with cysteine.
Molecular consequence: missense variant.
Genome position (GRCh38, 1-based): chr3:33,132,594, A>G. VCF-style: chr3-33132594-A-G. GRCh37 (hg19) VCF-style: chr3-33174086-A-G.
Other names: c.962A>G, p.Tyr321Cys (NM_001393363.1); c.833A>G, p.Tyr278Cys (NM_001393364.1); c.812A>G, p.Tyr271Cys (NM_001393365.1); short protein forms Y271C, Y278C, Y321C.
Identifiers: ClinVar variation 2066567 (VCV002066567.3), dbSNP rs573914818, ClinGen allele CA2300455.
Genomic context (GRCh38, chr3:33,132,594, plus strand): 5'-GTCTTTTCTTCCCAACCCTAGTGAACGACCTGAAGAATGCAGCCCCCTGTGCAGTCAGCT[A>G]TCTGCTCTTTGATCAGAATGACAAGGTCATGCAGCAGAACCTGGTGTATTACCAGTACCA-3'
Protein context (NP_006362.1, residues 311-331): LKNAAPCAVS[Tyr321Cys]LLFDQNDKVM